The following is an entry in ClinVar:

NM_005245.4(FAT1):c.11394G>A (p.Pro3798=)

Gene: FAT1 (FAT atypical cadherin 1; minus strand). Cytogenetic location: 4q35.2.
Variant type: single nucleotide variant.
Coding change: c.11394G>A on transcript NM_005245.4 (MANE Select); coding-DNA position 11394, G replaced by A.
Protein change: p.Pro3798=; no amino-acid change (proline 3798 retained).
Molecular consequence: synonymous variant.
Genome position (GRCh38, 1-based): chr4:186,602,991, C>T on the plus strand (G>A on the coding strand, the complement: FAT1 is on the minus strand). VCF-style: chr4-186602991-C-T. GRCh37 (hg19) VCF-style: chr4-187524145-C-T.
Identifiers: ClinVar variation 3058825 (VCV003058825.2), dbSNP rs183715661, ClinGen allele CA3165123.

ClinVar aggregate classification (germline): Likely benign (0 of 4 stars; one submission).

Conditions:
FAT1-related disorder. Also called: FAT1-related condition.

Allele frequency attached by ClinVar (database versions not stated): ExAC 0.00001; gnomAD 0.00003; TOPMed 0.00003; 1000 Genomes Project 30x 0.00016; 1000 Genomes Project 0.00020.
gnomAD v4.1: 24 of 1,613,910 alleles (0.0015%); highest among the groups gnomAD compares: East Asian, 0.0067%; no homozygotes.

Submission:

PreventionGenetics, part of Exact Sciences
Classification: Likely benign for FAT1-related condition. Last evaluated: 2019-04-15. Review status: no assertion criteria provided. Collection method: clinical testing. Allele origin: germline.
Comment: This variant is classified as likely benign based on ACMG/AMP sequence variant interpretation guidelines (Richards et al. 2015 PMID: 25741868, with internal and published modifications).